The following is an entry in ClinVar:

NM_001100913.3(PACS2):c.1079T>C (p.Leu360Pro)

Gene: PACS2 (phosphofurin acidic cluster sorting protein 2; plus strand). Cytogenetic location: 14q32.33.
Variant type: single nucleotide variant.
Coding change: c.1079T>C on transcript NM_001100913.3 (MANE Select); coding-DNA position 1079, T replaced by C.
Protein change: p.Leu360Pro; replaces leucine 360 with proline.
Molecular consequence: missense variant.
Genome position (GRCh38, 1-based): chr14:105,380,108, T>C. VCF-style: chr14-105380108-T-C. GRCh37 (hg19) VCF-style: chr14-105846445-T-C.
Other names: c.854T>C, p.Leu285Pro (NM_001243127.3); c.1079T>C, p.Leu360Pro (NM_015197.4); short protein forms L285P, L360P.
Identifiers: ClinVar variation 1371209 (VCV001371209.7), dbSNP rs1595145698, ClinGen allele CA391180661.

ClinVar aggregate classification (germline): Conflicting classifications of pathogenicity. Review status: criteria provided, conflicting classifications (1 of 4 stars). 2 submissions from 2 submitters: Uncertain significance (1); Likely benign (1). Last evaluated 2026-09-01.

Allele frequency attached by ClinVar (database versions not stated): gnomAD 0.00001.
gnomAD v4.1: 11 of 1,553,178 alleles (0.00071%); highest among the groups gnomAD compares: Non-Finnish European, 0.00096%; no homozygotes.

Submissions (2):

CeGaT Center for Human Genetics Tuebingen
Classification: Likely benign. Last evaluated: 2026-09-01. Review status: criteria provided, single submitter. Criteria: CeGaT Center For Human Genetics Tuebingen Variant Classification Criteria Version 2. Collection method: clinical testing. Allele origin: germline. Affected: yes. Observed: 1 variant allele.
Comment: PACS2: BP4

Labcorp Genetics (formerly Invitae), Labcorp
Classification: Uncertain significance. Last evaluated: 2025-11-23. Review status: criteria provided, single submitter. Criteria: Invitae Variant Classification Sherloc (09022015). Collection method: clinical testing. Allele origin: germline.
Comment: This sequence change replaces leucine, which is neutral and non-polar, with proline, which is neutral and non-polar, at codon 360 of the PACS2 protein (p.Leu360Pro). This variant is not present in population databases (gnomAD no frequency). This variant has not been reported in the literature in individuals affected with PACS2-related conditions. ClinVar contains an entry for this variant (Variation ID: 1371209). An algorithm developed to predict the effect of missense changes on protein structure and function outputs the following: PolyPhen-2: "Benign". The proline amino acid residue is found in multiple mammalian species, which suggests that this missense change does not adversely affect protein function. In summary, the available evidence is currently insufficient to determine the role of this variant in disease. Therefore, it has been classified as a Variant of Uncertain Significance.